The following is an entry in ClinVar:

NM_021167.5(GATAD1):c.124G>A (p.Gly42Arg)

Genes: GATAD1 (GATA zinc finger domain containing 1; plus strand), LOC129998793 (ATAC-STARR-seq lymphoblastoid silent region 18371; plus strand). Cytogenetic location: 7q21.2.
Variant type: single nucleotide variant.
Coding change: c.124G>A on transcript NM_021167.5 (MANE Select); coding-DNA position 124, G replaced by A.
Protein change: p.Gly42Arg; replaces glycine 42 with arginine.
Molecular consequence: missense variant. On other transcripts: non-coding transcript variant (1).
Genome position (GRCh38, 1-based): chr7:92,447,853, G>A. VCF-style: chr7-92447853-G-A. GRCh37 (hg19) VCF-style: chr7-92077167-G-A.
Other names: short protein forms G42R.
Identifiers: ClinVar variation 1760388 (VCV001760388.2), dbSNP rs1423757060, ClinGen allele CA368155161.
Genomic context (GRCh38, chr7:92,447,853, plus strand): 5'-AAGGGAGCGCAGGGGGAGATCCTCTGCCATCATTGCACTGGCCGGGGCGGCGCGGGCAGC[G>A]GGGGCGCAGGCTCGGGGGCGGCTGGAGGGACTGGGGGCAGCGGCGGCGGCGGCTTCGGCG-3'
Protein context (NP_066990.3, residues 32-52): HCTGRGGAGS[Gly42Arg]GAGSGAAGGT

ClinVar aggregate classification (germline): Uncertain significance (1 of 4 stars; one submission).

Conditions:
Cardiovascular phenotype. Identifiers: MedGen CN230736.

Allele frequency attached by ClinVar (database versions not stated): gnomAD 0.00001; TOPMed 0.00002.
gnomAD v4.1: 19 of 1,381,752 alleles (0.0014%); highest among the groups gnomAD compares: African/African-American, 0.003%; no homozygotes.

Submission:

Ambry Genetics
Classification: Uncertain significance for Cardiovascular phenotype. Last evaluated: 2024-02-22. Review status: criteria provided, single submitter. Criteria: Ambry Variant Classification Scheme 2023. Collection method: clinical testing. Allele origin: germline.
Comment: The p.G42R variant (also known as c.124G>A), located in coding exon 1 of the GATAD1 gene, results from a G to A substitution at nucleotide position 124. The glycine at codon 42 is replaced by arginine, an amino acid with dissimilar properties. This amino acid position is well conserved in available vertebrate species; however, arginine is the reference amino acid in other vertebrate species. In addition, the in silico prediction for this alteration is inconclusive. Since supporting evidence is limited at this time, the clinical significance of this alteration remains unclear.